The following is an entry in ClinVar:

NM_000044.6(AR):c.1769-5148A>G

Gene: AR (androgen receptor; plus strand). Cytogenetic location: Xq12.
Variant type: single nucleotide variant.
Coding change: c.1769-5148A>G on transcript NM_000044.6 (MANE Select); 5148 bases into the intron before coding-DNA position 1769, A replaced by G.
Molecular consequence: intron variant.
Genome position (GRCh38, 1-based): chrX:67,680,862, A>G. VCF-style: chrX-67680862-A-G. GRCh37 (hg19) VCF-style: chrX-66900704-A-G.
Other names: c.173-5148A>G (NM_001011645.3); c.1769-5148A>G (NM_001348061.1, NM_001348063.1); c.1617-5079A>G (NM_001348064.1).
Identifiers: ClinVar variation 2660775 (VCV002660775.24), dbSNP rs770110173, ClinGen allele CA330768419.

ClinVar aggregate classification (germline): Likely benign (1 of 4 stars; one submission).

Allele frequency attached by ClinVar (database versions not stated): gnomAD 0.00011; gnomAD exomes 0.00012; TOPMed 0.00018.
gnomAD v4.1: 34 of 307,054 alleles (0.011%); highest among the groups gnomAD compares: East Asian, 0.071%; no homozygotes.

Submission:

CeGaT Center for Human Genetics Tuebingen
Classification: Likely benign. Last evaluated: 2023-01-01. Review status: criteria provided, single submitter. Criteria: CeGaT Center For Human Genetics Tuebingen Variant Classification Criteria Version 2. Collection method: clinical testing. Allele origin: germline. Affected: yes. Observed: 2 variant alleles.
Comment: AR: BS2